The following is an entry in ClinVar:

NM_000263.4(NAGLU):c.28G>C (p.Val10Leu)

Genes: NAGLU (N-acetyl-alpha-glucosaminidase; plus strand), LOC130060903 (ATAC-STARR-seq lymphoblastoid silent region 8533; plus strand). Cytogenetic location: 17q21.2.
Variant type: single nucleotide variant.
Coding change: c.28G>C on transcript NM_000263.4 (MANE Select); coding-DNA position 28, G replaced by C.
Protein change: p.Val10Leu; replaces valine 10 with leucine.
Molecular consequence: missense variant.
Genome position (GRCh38, 1-based): chr17:42,536,300, G>C. VCF-style: chr17-42536300-G-C. GRCh37 (hg19) VCF-style: chr17-40688318-G-C.
Other names: short protein forms V10L.
Identifiers: ClinVar variation 1714563 (VCV001714563.6), dbSNP rs1248922504, ClinGen allele CA399594962.

ClinVar aggregate classification (germline): Uncertain significance (1 of 4 stars; one submission).

Conditions:
Charcot-Marie-Tooth disease axonal type 2V. Also called: CHARCOT-MARIE-TOOTH NEUROPATHY, TYPE 2V; CHARCOT-MARIE-TOOTH DISEASE, AXONAL, AUTOSOMAL DOMINANT, TYPE 2V. Identifiers: Orphanet 447964, MedGen C5569050, MONDO:0014665, OMIM 616491.
Mucopolysaccharidosis, MPS-III-B (MPS3B). Also called: MUCOPOLYSACCHARIDOSIS, TYPE IIIB; Mucopolysaccharidosis type IIIB (Sanfilippo B); N-ACETYL-ALPHA-D-GLUCOSAMINIDASE DEFICIENCY; NAGLU DEFICIENCY; SANFILIPPO SYNDROME B; MPS III B. Identifiers: Orphanet 79270, MedGen C0086648, MONDO:0009656, OMIM 252920.

Submission:

Labcorp Genetics (formerly Invitae), Labcorp
Classification: Uncertain significance for Charcot-Marie-Tooth disease axonal type 2V; Mucopolysaccharidosis, MPS-III-B. Last evaluated: 2022-07-30. Review status: criteria provided, single submitter. Criteria: Invitae Variant Classification Sherloc (09022015). Collection method: clinical testing. Allele origin: germline.
Comment: This sequence change replaces valine, which is neutral and non-polar, with leucine, which is neutral and non-polar, at codon 10 of the NAGLU protein (p.Val10Leu). This variant is not present in population databases (gnomAD no frequency). This variant has not been reported in the literature in individuals affected with NAGLU-related conditions. Advanced modeling of protein sequence and biophysical properties (such as structural, functional, and spatial information, amino acid conservation, physicochemical variation, residue mobility, and thermodynamic stability) performed at Invitae indicates that this missense variant is not expected to disrupt NAGLU protein function. In summary, the available evidence is currently insufficient to determine the role of this variant in disease. Therefore, it has been classified as a Variant of Uncertain Significance.